The following is an entry in ClinVar:

NM_000091.5(COL4A3):c.1007G>A (p.Gly336Asp)

Genes: COL4A3 (collagen type IV alpha 3 chain; plus strand), MFF-DT (MFF divergent transcript; minus strand). Cytogenetic location: 2q36.3.
Variant type: single nucleotide variant.
Coding change: c.1007G>A on transcript NM_000091.5 (MANE Select); coding-DNA position 1007, G replaced by A.
Protein change: p.Gly336Asp; replaces glycine 336 with aspartic acid.
Molecular consequence: missense variant.
Genome position (GRCh38, 1-based): chr2:227,257,622, G>A. VCF-style: chr2-227257622-G-A. GRCh37 (hg19) VCF-style: chr2-228122338-G-A.
Other names: short protein forms G336D.
Identifiers: ClinVar variation 3385039 (VCV003385039.2).

ClinVar aggregate classification (germline): Conflicting classifications of pathogenicity. Review status: criteria provided, conflicting classifications (1 of 4 stars). 2 submissions from 2 submitters: Likely pathogenic (1); Uncertain significance (1). Last evaluated 2025-06-24.

Submissions (2):

GeneDx
Classification: Likely pathogenic. Last evaluated: 2025-06-24. Review status: criteria provided, single submitter. Criteria: GeneDx Variant Classification Process June 2021. Collection method: clinical testing. Allele origin: germline. Affected: yes.
Comment: Affects a glycine residue in a Gly-X-Y motif in the triple helical region of the COL4A3 gene, where the majority of pathogenic missense variants occur, and is predicted to disrupt normal protein folding and function (PMID: 10752524); Not observed at significant frequency in large population cohorts (gnomAD); In silico analysis supports that this missense variant has a deleterious effect on protein structure/function; Has not been previously published as pathogenic or benign to our knowledge; This variant is associated with the following publications: (PMID: 10752524)

Women's Health and Genetics/Laboratory Corporation of America, LabCorp
Classification: Uncertain significance. Last evaluated: 2024-10-28. Review status: criteria provided, single submitter. Criteria: LabCorp Variant Classification Summary - May 2015. Collection method: clinical testing. Allele origin: germline.
Comment: Variant summary: COL4A3 c.1007G>A (p.Gly336Asp) results in a non-conservative amino acid change located in the Collagen triple helix repeat region (IPR008160) of the encoded protein sequence. Five of five in-silico tools predict a damaging effect of the variant on protein function. The variant was absent in 249418 control chromosomes (gnomAD). The available data on variant occurrences in the general population are insufficient to allow any conclusion about variant significance. To our knowledge, no occurrence of c.1007G>A in individuals affected with Alport Syndrome, Autosomal Recessive and no experimental evidence demonstrating its impact on protein function have been reported. However, a different missense affecting the same amino acid, c.1006G>T (p.G336C), is classified as Pathogenic/Likely pathogenic by other labs in ClinVar [Variation ID 562453], supporting the functional relevance of Gly336 in protein function. No submitters have cited clinical-significance assessments for this variant to ClinVar. Based on the evidence outlined above, the variant was classified as VUS-possibly pathogenic.